The following is an entry in ClinVar:

NM_024656.4(COLGALT1):c.1062G>C (p.Arg354=)

Gene: COLGALT1 (collagen beta(1-O)galactosyltransferase 1; plus strand). Cytogenetic location: 19p13.11.
Variant type: single nucleotide variant.
Coding change: c.1062G>C on transcript NM_024656.4 (MANE Select); coding-DNA position 1062, G replaced by C.
Protein change: p.Arg354=; no amino-acid change (arginine 354 retained).
Molecular consequence: synonymous variant.
Genome position (GRCh38, 1-based): chr19:17,577,396, G>C. VCF-style: chr19-17577396-G-C. GRCh37 (hg19) VCF-style: chr19-17688205-G-C.
Identifiers: ClinVar variation 3054652 (VCV003054652.2), dbSNP rs755117158, ClinGen allele CA9297158.

ClinVar aggregate classification (germline): Likely benign (0 of 4 stars; one submission).

Conditions:
COLGALT1-related disorder. Also called: COLGALT1-related condition.

Allele frequency attached by ClinVar (database versions not stated): ExAC 0.00002; TOPMed 0.00002; gnomAD 0.00004; gnomAD exomes 0.00008.
gnomAD v4.1: 129 of 1,581,922 alleles (0.0082%); highest among the groups gnomAD compares: Non-Finnish European, 0.01%; no homozygotes.

Submission:

PreventionGenetics, part of Exact Sciences
Classification: Likely benign for COLGALT1-related condition. Last evaluated: 2023-01-24. Review status: no assertion criteria provided. Collection method: clinical testing. Allele origin: germline.
Comment: This variant is classified as likely benign based on ACMG/AMP sequence variant interpretation guidelines (Richards et al. 2015 PMID: 25741868, with internal and published modifications).